The following is an entry in ClinVar:

NM_003334.4(UBA1):c.380G>T (p.Arg127Leu)

Gene: UBA1 (ubiquitin like modifier activating enzyme 1; plus strand). Cytogenetic location: Xp11.3.
Variant type: single nucleotide variant.
Coding change: c.380G>T on transcript NM_003334.4 (MANE Select); coding-DNA position 380, G replaced by T.
Protein change: p.Arg127Leu; replaces arginine 127 with leucine.
Molecular consequence: missense variant.
Genome position (GRCh38, 1-based): chrX:47,199,514, G>T. VCF-style: chrX-47199514-G-T. GRCh37 (hg19) VCF-style: chrX-47058913-G-T.
Other names: c.380G>T, p.Arg127Leu (NM_153280.3); short protein forms R127L.
Identifiers: ClinVar variation 3670477 (VCV003670477.2).
Genomic context (GRCh38, chrX:47,199,514, plus strand): 5'-TTTTTCCCTACTGCACACCCTTACAGTTCTACCTGCGGGAGGAGGACATCGGTAAAAACC[G>T]GGCCGAGGTATCACAGCCCCGCCTCGCTGAGCTCAACAGCTATGTGCCTGTCACTGCCTA-3'
Protein context (NP_003325.2, residues 117-137): YLREEDIGKN[Arg127Leu]AEVSQPRLAE

ClinVar aggregate classification (germline): Uncertain significance (1 of 4 stars; one submission).

Conditions:
Infantile-onset X-linked spinal muscular atrophy. Also called: ARTHROGRYPOSIS, X-LINKED, TYPE I; SPINAL MUSCULAR ATROPHY, X-LINKED LETHAL INFANTILE; AMC, DISTAL, X-LINKED; Spinal muscular atrophy, X-linked 2; Spinal Muscular Atrophy, X-Linked Infantile. Identifiers: Orphanet 1145, MedGen C1844934, MONDO:0010532, OMIM 301830.

gnomAD v4.1: 3 of 1,209,936 alleles (0.00025%); highest among the groups gnomAD compares: Non-Finnish European, 0.00034%; no homozygotes.

Submission:

Labcorp Genetics (formerly Invitae), Labcorp
Classification: Uncertain significance for Infantile-onset X-linked spinal muscular atrophy. Last evaluated: 2025-11-24. Review status: criteria provided, single submitter. Criteria: Invitae Variant Classification Sherloc (09022015). Collection method: clinical testing. Allele origin: germline.
Comment: This sequence change replaces arginine, which is basic and polar, with leucine, which is neutral and non-polar, at codon 127 of the UBA1 protein (p.Arg127Leu). This variant is present in population databases (rs143306068, gnomAD 0.001%). This variant has not been reported in the literature in individuals affected with UBA1-related conditions. ClinVar contains an entry for this variant (Variation ID: 3670477). An algorithm developed to predict the effect of missense changes on protein structure and function (PolyPhen-2) suggests that this variant is likely to be disruptive. In summary, the available evidence is currently insufficient to determine the role of this variant in disease. Therefore, it has been classified as a Variant of Uncertain Significance.